The following is an entry in ClinVar:

ClinVar aggregate classification (germline): Benign (1 of 4 stars; one submission).

Submission:

Women's Health and Genetics/Laboratory Corporation of America, LabCorp
Classification: Benign. Last evaluated: 2022-09-21. Review status: criteria provided, single submitter. Criteria: LabCorp Variant Classification Summary - May 2015. Collection method: clinical testing. Allele origin: germline.
Comment: Variant summary: The variant identified by MLPA or other technology involves the duplication of exon 1 in the TM4SF20 gene. A presumed nomenclature of c.(?_-39)_(183+1_184-1)dup has been designated for the purposes of this classification. It has been assumed that this is a tandem duplication in direct orientation (Richardson_GIM_2018, Newman_AJHG_2015). A similar variant allele was found at a frequency of 0.034 in 21674 control chromosomes in the gnomAD database (Structural Variants dataset), including 50 homozygotes. The observed variant frequency strongly suggests that the variant is benign. To our knowledge, no occurrence of c.(?_-39)_(183+1_184-1)dup in individuals affected with Specific Language Impairment 5 and no experimental evidence demonstrating its impact on protein function have been reported. No clinical diagnostic laboratories have submitted clinical-significance assessments for this variant to ClinVar after 2014. Based on the evidence outlined above, the variant was classified as benign.

NC_000002.11:g.(228235697_228243801)_(228244023_?)dup

Gene: TM4SF20 (transmembrane 4 L six family member 20; minus strand). Cytogenetic location: 2q36.3.
Variant type: Duplication.
Identifiers: ClinVar variation 1722458 (VCV001722458.1).